The following is an entry in ClinVar:

ClinVar aggregate classification (germline): Uncertain significance (1 of 4 stars; one submission).

Conditions:
Frontotemporal dementia and/or amyotrophic lateral sclerosis 4. Also called: FTDALS4. Identifiers: Orphanet 275872, MedGen C4225325, MONDO:0014641, OMIM 616439.

Submission:

Labcorp Genetics (formerly Invitae), Labcorp
Classification: Uncertain significance for Frontotemporal dementia and/or amyotrophic lateral sclerosis 4. Last evaluated: 2021-02-18. Review status: criteria provided, single submitter. Criteria: Invitae Variant Classification Sherloc (09022015). Collection method: clinical testing. Allele origin: germline.
Comment: This sequence change replaces histidine with phenylalanine at codon 28 of the TBK1 protein (p.His28Phe). The histidine residue is highly conserved and there is a moderate physicochemical difference between histidine and phenylalanine. The frequency data for this variant in the population databases is not available, as this variant may be reported as separate entries in the ExAC database. This variant has not been reported in the literature in individuals with TBK1-related conditions. Algorithms developed to predict the effect of missense changes on protein structure and function are either unavailable or do not agree on the potential impact of this missense change (SIFT: "Not Available"; PolyPhen-2: "Benign"; Align-GVGD: "Not Available"). In summary, the available evidence is currently insufficient to determine the role of this variant in disease. Therefore, it has been classified as a Variant of Uncertain Significance.

NM_013254.4(TBK1):c.82_83delinsTT (p.His28Phe)

Gene: TBK1 (TANK binding kinase 1; plus strand). Cytogenetic location: 12q14.2.
Variant type: Indel.
Coding change: c.82_83delinsTT on transcript NM_013254.4 (MANE Select); coding-DNA positions 82 to 83, CA replaced by TT.
Protein change: p.His28Phe; replaces histidine 28 with phenylalanine.
Molecular consequence: missense variant.
Genome position (GRCh38, 1-based): chr12:64,455,952-64,455,953, CA replaced by TT. VCF-style: chr12-64455952-CA-TT. GRCh37 (hg19) VCF-style: chr12-64849732-CA-TT.
Other names: short protein forms H28F.
Identifiers: ClinVar variation 1469947 (VCV001469947.6), dbSNP rs2136052800, ClinGen allele CA2573148934.